The following is an entry in ClinVar:

NM_139276.3(STAT3):c.1465-16G>A

Gene: STAT3 (signal transducer and activator of transcription 3; minus strand). Cytogenetic location: 17q21.2.
Variant type: single nucleotide variant.
Coding change: c.1465-16G>A on transcript NM_139276.3 (MANE Select); 16 bases into the intron before coding-DNA position 1465, G replaced by A.
Molecular consequence: intron variant.
Genome position (GRCh38, 1-based): chr17:42,324,862, C>T on the plus strand (G>A on the coding strand, the complement: STAT3 is on the minus strand). VCF-style: chr17-42324862-C-T. GRCh37 (hg19) VCF-style: chr17-40476880-C-T.
Other names: c.1369-16G>A (NM_001384989.1); c.1405-16G>A (NM_001384992.1); c.1381-16G>A (NM_001384984.1); c.1465-16G>A (NM_001369519.1, NM_003150.4, NM_001369517.1 and 11 more transcripts); c.1387-16G>A (NM_001384985.1); c.1465-37G>A (NM_001384987.1); c.1480-16G>A (NM_001384986.1, NM_001384990.1).
Identifiers: ClinVar variation 1575627 (VCV001575627.9), dbSNP rs189319171, ClinGen allele CA8575304.
Genomic context (GRCh38, chr17:42,324,862, plus strand): 5'-TTGATCCCAGGTTCCAATTGGGGGCTTGGTAAAAAAGTTTACATTCTATTGGAAAGAACA[C>T]ATTTGCTTGTTTAGATGAGGGATGGTGCTCATTGTCTATACTAGGTACCCCTAAGTCGCA-3'

ClinVar aggregate classification (germline): Benign. Review status: criteria provided, multiple submitters, no conflicts (2 of 4 stars). 2 submissions from 2 submitters: Benign (2). Last evaluated 2026-01-04.

Conditions:
Hyper-IgE recurrent infection syndrome 1, autosomal dominant. Also called: Job's Syndrome; STAT3 Hyper IgE Syndrome; Hyper-IgE recurrent infection syndrome 1; JOB SYNDROME; HYPER-IgE SYNDROME 1, AUTOSOMAL DOMINANT, WITH RECURRENT INFECTIONS. Identifiers: Orphanet 2314, MedGen C2936739, MONDO:0007818, OMIM 147060.
STAT3 gain of function. Identifiers: MedGen C4288261.

Allele frequency attached by ClinVar (database versions not stated): TOPMed 0.00010; gnomAD exomes 0.00013 and 0.00002; 1000 Genomes Project 30x 0.00016; 1000 Genomes Project 0.00020; gnomAD 0.00003; ExAC 0.00007.
gnomAD v4.1: 40 of 1,614,138 alleles (0.0025%); highest among the groups gnomAD compares: Admixed American, 0.057%; no homozygotes.

Submissions (2):

Labcorp Genetics (formerly Invitae), Labcorp
Classification: Benign for STAT3 gain of function; Hyper-IgE recurrent infection syndrome 1, autosomal dominant. Last evaluated: 2026-01-04. Review status: criteria provided, single submitter. Criteria: Invitae Variant Classification Sherloc (09022015). Collection method: clinical testing. Allele origin: germline.

Women's Health and Genetics/Laboratory Corporation of America, LabCorp
Classification: Benign. Last evaluated: 2023-02-21. Review status: criteria provided, single submitter. Criteria: LabCorp Variant Classification Summary - May 2015. Collection method: clinical testing. Allele origin: germline.
Comment: Variant summary: STAT3 c.1465-16G>A alters a nucleotide located close to a canonical splice site and therefore could affect mRNA splicing, leading to a significantly altered protein sequence. 4/4 computational tools predict no significant impact on normal splicing. However, these predictions have yet to be confirmed by functional studies. The variant allele was found at a frequency of 0.00013 in 251476 control chromosomes. The observed variant frequency is approximately 57.84 fold of the estimated maximal expected allele frequency for a pathogenic variant in STAT3 causing Hyper IgE Syndrome phenotype (2.2e-06), strongly suggesting that the variant is benign. To our knowledge, no occurrence of c.1465-16G>A in individuals affected with Hyper IgE Syndrome and no experimental evidence demonstrating its impact on protein function have been reported. One clinical diagnostic laboratory has submitted clinical-significance assessments for this variant to ClinVar after 2014 without evidence for independent evaluation. One laboratory classified the variant as benign. Based on the evidence outlined above, the variant was classified as benign.